The following is an entry in ClinVar:

ClinVar aggregate classification (germline): Likely benign. Review status: criteria provided, single submitter (1 of 4 stars). 2 submissions from 2 submitters: Likely benign (1). 1 of the submissions does not count toward it. Last evaluated 2024-09-24.

Conditions:
FRMPD4-related disorder. Also called: FRMPD4-related condition.
Inborn genetic diseases. Identifiers: MedGen C0950123, MeSH D030342.

Allele frequency attached by ClinVar (database versions not stated): gnomAD exomes 0.00016; ExAC 0.00073; gnomAD 0.00175; 1000 Genomes Project 0.00185; TOPMed 0.00206; 1000 Genomes Project 30x 0.00229; ESP Exome Variant Server 0.00331.
gnomAD v4.1: 374 of 1,208,449 alleles (0.031%); highest among the groups gnomAD compares: African/African-American, 0.6%; 2 homozygotes.

Submissions (2):

Ambry Genetics
Classification: Likely benign for Inborn genetic diseases. Last evaluated: 2024-09-24. Review status: criteria provided, single submitter. Criteria: Ambry Variant Classification Scheme 2023. Collection method: clinical testing. Allele origin: germline.

PreventionGenetics, part of Exact Sciences
Classification: Benign for FRMPD4-related condition. Last evaluated: 2020-01-28. Review status: no assertion criteria provided. Collection method: clinical testing. Allele origin: germline. Not counted in ClinVar's aggregate classification.
Comment: This variant is classified as benign based on ACMG/AMP sequence variant interpretation guidelines (Richards et al. 2015 PMID: 25741868, with internal and published modifications).

NM_001368397.1(FRMPD4):c.3899C>A (p.Thr1300Asn)

Gene: FRMPD4 (FERM and PDZ domain containing 4; plus strand). Cytogenetic location: Xp22.2.
Variant type: single nucleotide variant.
Coding change: c.3899C>A on transcript NM_001368397.1 (MANE Select); coding-DNA position 3899, C replaced by A.
Protein change: p.Thr1300Asn; replaces threonine 1300 with asparagine.
Molecular consequence: missense variant.
Genome position (GRCh38, 1-based): chrX:12,718,725, C>A. VCF-style: chrX-12718725-C-A. GRCh37 (hg19) VCF-style: chrX-12736844-C-A.
Other names: c.4010C>A, p.Thr1337Asn (NM_001368395.3, NM_001368398.3); c.3905C>A, p.Thr1302Asn (NM_001368396.3); c.3890C>A, p.Thr1297Asn (NM_001368399.3); c.3779C>A, p.Thr1260Asn (NM_001368400.3); c.3875C>A, p.Thr1292Asn (NM_001368401.1, NM_001368402.3); c.3899C>A, p.Thr1300Asn (NM_014728.3); short protein forms T1260N, T1292N, T1297N, T1300N, T1302N, T1337N.
Identifiers: ClinVar variation 3051419 (VCV003051419.3), dbSNP rs139367112, ClinGen allele CA10349675.
Genomic context (GRCh38, chrX:12,718,725, plus strand): 5'-CACAGACAGAAGGGATGTGTCCACGGATGACAGTGCCTGCTCTGCACACAGCCATTAACA[C>A]CGAACCCCTGTTTGGCACATTGAGAGATGGATGCCATCGGCTCCCCAAGATTAAGGAAAC-3'
Protein context (NP_001355326.1, residues 1290-1310): TVPALHTAIN[Thr1300Asn]EPLFGTLRDG